The following is an entry in ClinVar:

NM_000443.4(ABCB4):c.3412G>T (p.Val1138Phe)

Gene: ABCB4 (ATP binding cassette subfamily B member 4; minus strand). Cytogenetic location: 7q21.12.
Variant type: single nucleotide variant.
Coding change: c.3412G>T on transcript NM_000443.4 (MANE Select); coding-DNA position 3412, G replaced by T.
Protein change: p.Val1138Phe; replaces valine 1138 with phenylalanine.
Molecular consequence: missense variant.
Genome position (GRCh38, 1-based): chr7:87,406,362, C>A on the plus strand (G>T on the coding strand, the complement: ABCB4 is on the minus strand). VCF-style: chr7-87406362-C-A. GRCh37 (hg19) VCF-style: chr7-87035678-C-A.
Other names: c.3433G>T, p.Val1145Phe (NM_018849.3); c.3271G>T, p.Val1091Phe (NM_018850.3); short protein forms V1145F, V1091F, V1138F.
Identifiers: ClinVar variation 3972636 (VCV003972636.3).

ClinVar aggregate classification (germline): Uncertain significance. Review status: criteria provided, multiple submitters, no conflicts (2 of 4 stars). 3 submissions from 3 submitters: Uncertain significance (3). Last evaluated 2025-06-21.

Conditions:
Inborn genetic diseases. Identifiers: MedGen C0950123, MeSH D030342.
ABCB4-related disorder. Also called: ABCB4-related disorders; ABCB4-related condition.

gnomAD v4.1: 1 of 1,613,916 alleles (0.000062%); highest among the groups gnomAD compares: Admixed American, 0.0017%; no homozygotes.

Submissions (3):

GeneDx
Classification: Uncertain significance. Last evaluated: 2025-06-21. Review status: criteria provided, single submitter. Criteria: GeneDx Variant Classification Process June 2021. Collection method: clinical testing. Allele origin: germline. Affected: yes.
Comment: Not observed at significant frequency in large population cohorts (gnomAD); In silico analysis supports that this missense variant has a deleterious effect on protein structure/function; Has not been previously published as pathogenic or benign to our knowledge

Ambry Genetics
Classification: Uncertain significance for Inborn genetic diseases. Last evaluated: 2025-04-09. Review status: criteria provided, single submitter. Criteria: Ambry Variant Classification Scheme 2023. Collection method: clinical testing. Allele origin: germline.

PreventionGenetics, part of Exact Sciences
Classification: Uncertain significance for ABCB4-related condition. Last evaluated: 2025-03-09. Review status: criteria provided, single submitter. Criteria: ACMG Guidelines, 2015. Collection method: clinical testing. Allele origin: germline.
Comment: The ABCB4 c.3412G>T variant is predicted to result in the amino acid substitution p.Val1138Phe. To our knowledge, this variant has not been reported in the literature or in a large population database (gnomAD), indicating this variant is rare. At this time, the clinical significance of this variant is uncertain due to the absence of conclusive functional and genetic evidence.